The following is an entry in ClinVar:

ClinVar aggregate classification (germline): Likely benign (1 of 4 stars; one submission).

Allele frequency attached by ClinVar (database versions not stated): gnomAD 0.00309; 1000 Genomes Project 0.00359; 1000 Genomes Project 30x 0.00375; TOPMed 0.00395.
gnomAD v4.1: 940 of 1,503,238 alleles (0.063%); highest among the groups gnomAD compares: African/African-American, 1.2%; 5 homozygotes.

Submission:

GeneDx
Classification: Likely benign. Last evaluated: 2020-02-25. Review status: criteria provided, single submitter. Criteria: GeneDx Variant Classification Process June 2021. Collection method: clinical testing. Allele origin: germline. Affected: yes.
Comment: See Variant Classification Assertion Criteria.

NM_001277115.2(DNAH11):c.5622-62C>G

Gene: DNAH11 (dynein axonemal heavy chain 11; plus strand). Cytogenetic location: 7p15.3.
Variant type: single nucleotide variant.
Coding change: c.5622-62C>G on transcript NM_001277115.2 (MANE Select); 62 bases into the intron before coding-DNA position 5622, C replaced by G.
Molecular consequence: intron variant.
Genome position (GRCh38, 1-based): chr7:21,687,037, C>G. VCF-style: chr7-21687037-C-G. GRCh37 (hg19) VCF-style: chr7-21726655-C-G.
Identifiers: ClinVar variation 1707304 (VCV001707304.2), dbSNP rs192467007, ClinGen allele CA155115988.